The following is an entry in ClinVar:

NM_015335.5(MED13L):c.5024C>T (p.Pro1675Leu)

Gene: MED13L (mediator complex subunit 13L; minus strand). Cytogenetic location: 12q24.21.
Variant type: single nucleotide variant.
Coding change: c.5024C>T on transcript NM_015335.5 (MANE Select); coding-DNA position 5024, C replaced by T.
Protein change: p.Pro1675Leu; replaces proline 1675 with leucine.
Molecular consequence: missense variant.
Genome position (GRCh38, 1-based): chr12:115,982,535, G>A on the plus strand (C>T on the coding strand, the complement: MED13L is on the minus strand). VCF-style: chr12-115982535-G-A. GRCh37 (hg19) VCF-style: chr12-116420340-G-A.
Other names: short protein forms P1675L.
Identifiers: ClinVar variation 2066943 (VCV002066943.4), dbSNP rs748488755, ClinGen allele CA244141332.

ClinVar aggregate classification (germline): Uncertain significance (1 of 4 stars; one submission).

Conditions:
Dextro-looped transposition of the great arteries. Also called: Dextrotransposition of the great arteries. Identifiers: Orphanet 860, MedGen C3531771, MONDO:0019443, OMIM 608808, HP:0031348.

Submission:

Labcorp Genetics (formerly Invitae), Labcorp
Classification: Uncertain significance for Dextro-looped transposition of the great arteries. Last evaluated: 2025-01-06. Review status: criteria provided, single submitter. Criteria: Invitae Variant Classification Sherloc (09022015). Collection method: clinical testing. Allele origin: germline.
Comment: This sequence change replaces proline, which is neutral and non-polar, with leucine, which is neutral and non-polar, at codon 1675 of the MED13L protein (p.Pro1675Leu). This variant is not present in population databases (gnomAD no frequency). This variant has not been reported in the literature in individuals affected with MED13L-related conditions. ClinVar contains an entry for this variant (Variation ID: 2066943). Invitae Evidence Modeling of protein sequence and biophysical properties (such as structural, functional, and spatial information, amino acid conservation, physicochemical variation, residue mobility, and thermodynamic stability) indicates that this missense variant is expected to disrupt MED13L protein function with a positive predictive value of 80%. In summary, the available evidence is currently insufficient to determine the role of this variant in disease. Therefore, it has been classified as a Variant of Uncertain Significance.